The following is an entry in ClinVar:

NM_001211.6(BUB1B):c.2280A>T (p.Glu760Asp)

Gene: BUB1B (BUB1 mitotic checkpoint serine/threonine kinase B; plus strand). Cytogenetic location: 15q15.1.
Variant type: single nucleotide variant.
Coding change: c.2280A>T on transcript NM_001211.6 (MANE Select); coding-DNA position 2280, A replaced by T.
Protein change: p.Glu760Asp; replaces glutamic acid 760 with aspartic acid.
Molecular consequence: missense variant.
Genome position (GRCh38, 1-based): chr15:40,209,771, A>T. VCF-style: chr15-40209771-A-T. GRCh37 (hg19) VCF-style: chr15-40501972-A-T.
Other names: short protein forms E760D.
Identifiers: ClinVar variation 1788931 (VCV001788931.2), dbSNP rs2037686941, ClinGen allele CA391694678.

ClinVar aggregate classification (germline): Uncertain significance (1 of 4 stars; one submission).

Conditions:
Inborn genetic diseases. Identifiers: MedGen C0950123, MeSH D030342.

Submission:

Ambry Genetics
Classification: Uncertain significance for Inborn genetic diseases. Last evaluated: 2022-09-28. Review status: criteria provided, single submitter. Criteria: Ambry Variant Classification Scheme 2023. Collection method: clinical testing. Allele origin: germline.
Comment: The p.E760D variant (also known as c.2280A>T), located in coding exon 17 of the BUB1B gene, results from an A to T substitution at nucleotide position 2280. The glutamic acid at codon 760 is replaced by aspartic acid, an amino acid with highly similar properties. This amino acid position is conserved. In addition, this alteration is predicted to be tolerated by in silico analysis. Since supporting evidence is limited at this time, the clinical significance of this alteration remains unclear.